The following is an entry in ClinVar:

NM_001379500.1(COL18A1):c.1494C>T (p.Val498=)

Gene: COL18A1 (collagen type XVIII alpha 1 chain; plus strand). Cytogenetic location: 21q22.3.
Variant type: single nucleotide variant.
Coding change: c.1494C>T on transcript NM_001379500.1 (MANE Select); coding-DNA position 1494, C replaced by T.
Protein change: p.Val498=; no amino-acid change (valine 498 retained).
Molecular consequence: synonymous variant.
Genome position (GRCh38, 1-based): chr21:45,480,741, C>T. VCF-style: chr21-45480741-C-T. GRCh37 (hg19) VCF-style: chr21-46900655-C-T.
Other names: c.2034C>T, p.Val678= (NM_030582.4); c.2739C>T, p.Val913= (NM_130444.3); c.2034C>T (NM_030582.3).
Identifiers: ClinVar variation 1647674 (VCV001647674.9), dbSNP rs975761135, ClinGen allele CA321917453.

ClinVar aggregate classification (germline): Likely benign. Review status: criteria provided, multiple submitters, no conflicts (2 of 4 stars). 2 submissions from 2 submitters: Likely benign (2). Last evaluated 2025-12-16.

Conditions:
COL18A1-related disorder. Also called: COL18A1-related disorders; COL18A1-related condition.

Allele frequency attached by ClinVar (database versions not stated): gnomAD 0.00002 and 0.00003; TOPMed 0.00002.
gnomAD v4.1: 8 of 1,610,674 alleles (0.0005%); highest among the groups gnomAD compares: Non-Finnish European, 0.00068%; no homozygotes.

Submissions (2):

PreventionGenetics, part of Exact Sciences
Classification: Likely benign for COL18A1-related condition. Last evaluated: 2025-12-16. Review status: criteria provided, single submitter. Criteria: ACMG Guidelines, 2015. Collection method: clinical testing. Allele origin: germline.
Comment: This variant is classified as likely benign based on ACMG/AMP sequence variant interpretation guidelines (Richards et al. 2015 PMID: 25741868, with internal and published modifications).

Labcorp Genetics (formerly Invitae), Labcorp
Classification: Likely benign. Last evaluated: 2025-01-30. Review status: criteria provided, single submitter. Criteria: Invitae Variant Classification Sherloc (09022015). Collection method: clinical testing. Allele origin: germline.